The following is an entry in ClinVar:

NM_001174089.2(SLC4A11):c.2053C>T (p.Leu685=)

Gene: SLC4A11 (solute carrier family 4 member 11; minus strand). Cytogenetic location: 20p13.
Variant type: single nucleotide variant.
Coding change: c.2053C>T on transcript NM_001174089.2 (MANE Select); coding-DNA position 2053, C replaced by T.
Protein change: p.Leu685=; no amino-acid change (leucine 685 retained).
Molecular consequence: synonymous variant. On other transcripts: non-coding transcript variant (1).
Genome position (GRCh38, 1-based): chr20:3,228,977, G>A on the plus strand (C>T on the coding strand, the complement: SLC4A11 is on the minus strand). VCF-style: chr20-3228977-G-A. GRCh37 (hg19) VCF-style: chr20-3209623-G-A.
Other names: c.2182C>T, p.Leu728= (NM_001174090.2); c.1939C>T, p.Leu647= (NM_001363745.2); c.2101C>T, p.Leu701= (NM_032034.4); c.2101C>T (NM_032034.3).
Identifiers: ClinVar variation 1117127 (VCV001117127.10), dbSNP rs747289974, ClinGen allele CA9741598.
Genomic context (GRCh38, chr20:3,228,977, plus strand): 5'-CGGCATGGATCCAAGGCAGCCCAAACAGAGACAGCCCTGTGTTGATGATGGCGAGGAGCA[G>A]GAGGTCCCAGTGGTAGGCAGTGCCCTTCACCAGCCTGCAGCAGACGGGCACTCGTGGACA-3'
Protein context (NP_001167560.1, residues 675-695): VKGTAYHWDL[Leu685=]LLAIINTGLS

ClinVar aggregate classification (germline): Likely benign. Review status: criteria provided, multiple submitters, no conflicts (2 of 4 stars). 2 submissions from 2 submitters: Likely benign (2). Last evaluated 2026-08-25.

Conditions:
SLC4A11-related disorder. Also called: SLC4A11-related condition.

Allele frequency attached by ClinVar (database versions not stated): ExAC 0.00003; gnomAD 0.00005; gnomAD exomes 0.00005.
gnomAD v4.1: 75 of 1,613,668 alleles (0.0046%); highest among the groups gnomAD compares: Admixed American, 0.032%; no homozygotes.

Submissions (2):

PreventionGenetics, part of Exact Sciences
Classification: Likely benign for SLC4A11-related condition. Last evaluated: 2026-08-25. Review status: criteria provided, single submitter. Criteria: ACMG Guidelines, 2015. Collection method: clinical testing. Allele origin: germline.
Comment: This variant is classified as likely benign based on ACMG/AMP sequence variant interpretation guidelines (Richards et al. 2015 PMID: 25741868, with internal and published modifications).

Labcorp Genetics (formerly Invitae), Labcorp
Classification: Likely benign. Last evaluated: 2026-01-19. Review status: criteria provided, single submitter. Criteria: Invitae Variant Classification Sherloc (09022015). Collection method: clinical testing. Allele origin: germline.